The following is an entry in ClinVar:

NM_206933.4(USH2A):c.647T>A (p.Val216Glu)

Gene: USH2A (usherin; minus strand). Cytogenetic location: 1q41.
Variant type: single nucleotide variant.
Coding change: c.647T>A on transcript NM_206933.4 (MANE Select); coding-DNA position 647, T replaced by A.
Protein change: p.Val216Glu; replaces valine 216 with glutamic acid.
Molecular consequence: missense variant.
Genome position (GRCh38, 1-based): chr1:216,418,518, A>T on the plus strand (T>A on the coding strand, the complement: USH2A is on the minus strand). VCF-style: chr1-216418518-A-T. GRCh37 (hg19) VCF-style: chr1-216591860-A-T.
Other names: c.647T>A, p.Val216Glu (NM_007123.6); short protein forms V216E.
Identifiers: ClinVar variation 5009971 (VCV005009971.1).
Genomic context (GRCh38, chr1:216,418,518, plus strand): 5'-AAGGAAGACAAATCCTTGTGTTTAACCAAATGTTAAATATTTTTTATTTTACTCACCTGC[A>T]CACTAAGATGAATCCATTTCTTCACAAGAATTCTCCCCAGTGTCATTACTTTTATTGGAG-3'
Protein context (NP_996816.3, residues 206-226): ILVKKWIHLS[Val216Glu]QVHQTKISFF

ClinVar aggregate classification (germline): Uncertain significance (1 of 4 stars; one submission).

Submission:

GeneDx
Classification: Uncertain significance. Last evaluated: 2026-03-03. Review status: criteria provided, single submitter. Criteria: GeneDx Variant Classification Process June 2021. Collection method: clinical testing. Allele origin: germline.
Comment: Not observed at significant frequency in large population cohorts (gnomAD); In silico analysis supports that this missense variant has a deleterious effect on protein structure/function; Has not been previously published as pathogenic or benign to our knowledge